The following is an entry in ClinVar:

NM_001042492.3:c.(2990+1_2991-1)_(3113+1_3114-1)del

Gene: NF1 (neurofibromin 1; plus strand).
Variant type: Deletion.
Other names: c.(2990+1_2991-1)_(3113+1_3114-1)del (NM_001042492.3).
Identifiers: ClinVar variation 4857602 (VCV004857602.1).

ClinVar aggregate classification (germline): Pathogenic (1 of 4 stars; one submission).

Conditions:
Neurofibromatosis, type 1 (NF1). Also called: NEUROFIBROMATOSIS, TYPE I, SOMATIC; Peripheral type neurofibromatosis; Neurofibromatosis, type I; VON RECKLINGHAUSEN DISEASE. Identifiers: Orphanet 636, MedGen C0027831, MONDO:0018975, OMIM 162200. Disease mechanism: loss of function.

Submission:

Regional Center For Medical Genetics Timis, Louis Turcanu Emergency Hospital for Children Timisoara
Classification: Pathogenic for Neurofibromatosis, type 1. Review status: criteria provided, single submitter. Criteria: ACMG Guidelines, 2015. Collection method: clinical testing. Allele origin: unknown. Affected: yes.
Comment: This variant is a deletion of the genomic region encompassing exon 23 of the NF1 gene. While this deletion is not anticipated to result in nonsense mediated decay, it is expected to create a truncated protein product. Multiple missense variants located within the deleted region, have been determined to be pathogenic. This suggests that this region is critical for NF1 protein function and that the deletion of the NF1 protein may also be pathogenic. The patient's phenotype is specific for NF1. For these reasons, this variant has been classified as pathogenic.